The following is an entry in ClinVar:

ClinVar aggregate classification (germline): Uncertain significance (1 of 4 stars; one submission).

Conditions:
Left ventricular noncompaction 8 (LVNC8). Identifiers: Orphanet 154, Orphanet 54260, MedGen C3809288, MONDO:0014152, OMIM 615373.

gnomAD v4.1: 20 of 1,593,044 alleles (0.0013%); highest among the groups gnomAD compares: African/African-American, 0.0081%; no homozygotes.

Submission:

Labcorp Genetics (formerly Invitae), Labcorp
Classification: Uncertain significance for Left ventricular noncompaction 8. Last evaluated: 2024-11-21. Review status: criteria provided, single submitter. Criteria: Invitae Variant Classification Sherloc (09022015). Collection method: clinical testing. Allele origin: germline.
Comment: This sequence change replaces glutamic acid, which is acidic and polar, with lysine, which is basic and polar, at codon 664 of the PRDM16 protein (p.Glu664Lys). This variant is present in population databases (rs763938877, gnomAD 0.008%). This variant has not been reported in the literature in individuals affected with PRDM16-related conditions. An algorithm developed to predict the effect of missense changes on protein structure and function (PolyPhen-2) suggests that this variant is likely to be disruptive. In summary, the available evidence is currently insufficient to determine the role of this variant in disease. Therefore, it has been classified as a Variant of Uncertain Significance.

NM_022114.4(PRDM16):c.1990G>A (p.Glu664Lys)

Gene: PRDM16 (PR/SET domain 16; plus strand). Cytogenetic location: 1p36.32.
Variant type: single nucleotide variant.
Coding change: c.1990G>A on transcript NM_022114.4 (MANE Select); coding-DNA position 1990, G replaced by A.
Protein change: p.Glu664Lys; replaces glutamic acid 664 with lysine.
Molecular consequence: missense variant.
Genome position (GRCh38, 1-based): chr1:3,412,187, G>A. VCF-style: chr1-3412187-G-A. GRCh37 (hg19) VCF-style: chr1-3328751-G-A.
Other names: c.1990G>A, p.Glu664Lys (NM_199454.3); short protein forms E664K.
Identifiers: ClinVar variation 3705087 (VCV003705087.2).